The following is an entry in ClinVar:

ClinVar aggregate classification (germline): Likely benign. Review status: criteria provided, multiple submitters, no conflicts (2 of 4 stars). 3 submissions from 3 submitters: Likely benign (2). 1 of the submissions does not count toward it. Last evaluated 2024-02-02.

Conditions:
Autosomal recessive nonsyndromic hearing loss 2. Also called: DEAFNESS, AUTOSOMAL RECESSIVE 2; NEUROSENSORY NONSYNDROMIC RECESSIVE DEAFNESS 2. Identifiers: Orphanet 90636, MedGen C1838701, MONDO:0010807, OMIM 600060.
Usher syndrome type 1 (USH1). Also called: RETINITIS PIGMENTOSA AND CONGENITAL DEAFNESS. Identifiers: Orphanet 231169, Orphanet 886, MedGen C1568247, MONDO:0010168, OMIM 276900.

Allele frequency attached by ClinVar (database versions not stated): TOPMed below 0.00001; gnomAD 0.00001.
gnomAD v4.1: 1 of 1,608,968 alleles (0.000062%); highest among the groups gnomAD compares: African/African-American, 0.0013%; no homozygotes.

Submissions (3):

Labcorp Genetics (formerly Invitae), Labcorp
Classification: Likely benign. Last evaluated: 2024-02-02. Review status: criteria provided, single submitter. Criteria: Invitae Variant Classification Sherloc (09022015). Collection method: clinical testing. Allele origin: germline.

Laboratory for Molecular Medicine, Mass General Brigham Personalized Medicine
Classification: Likely benign. Last evaluated: 2014-07-01. Review status: criteria provided, single submitter. Criteria: LMM Criteria. Collection method: clinical testing. Allele origin: germline. Observed: 1 variant allele.
Comment: 4153-11C>T in intron 31 of MYO7A: This variant is not expected to have clinical significance because a C>T change at this position does not diverge from the spl ice consensus sequence and is therefore unlikely to impact splicing.

Counsyl
Classification: Uncertain significance for Usher syndrome type 1; Autosomal recessive nonsyndromic hearing loss 2. Last evaluated: 2018-02-05. Review status: no assertion criteria provided. Collection method: clinical testing. Allele origin: unknown. Not counted in ClinVar's aggregate classification.

NM_000260.4(MYO7A):c.4153-11C>T

Gene: MYO7A (myosin VIIA; plus strand). Cytogenetic location: 11q13.5.
Variant type: single nucleotide variant.
Coding change: c.4153-11C>T on transcript NM_000260.4 (MANE Select); 11 bases into the intron before coding-DNA position 4153, C replaced by T.
Molecular consequence: intron variant.
Genome position (GRCh38, 1-based): chr11:77,194,343, C>T. VCF-style: chr11-77194343-C-T. GRCh37 (hg19) VCF-style: chr11-76905388-C-T.
Other names: c.4120-11C>T (NM_001369365.1); c.4153-11C>T (NM_001127180.2).
Identifiers: ClinVar variation 164696 (VCV000164696.7), dbSNP rs727503330, ClinGen allele CA177390.